The following is an entry in ClinVar:

ClinVar aggregate classification (germline): Pathogenic (1 of 4 stars; one submission).

Conditions:
Fabry disease. Also called: ALPHA-GALACTOSIDASE A DEFICIENCY; ANDERSON-FABRY DISEASE; CERAMIDE TRIHEXOSIDASE DEFICIENCY; GLA DEFICIENCY; HEREDITARY DYSTOPIC LIPIDOSIS; Angiokeratoma corporis diffusum. Identifiers: Orphanet 324, MedGen C0002986, MONDO:0010526, OMIM 301500, HP:0001071. Disease mechanism: Fabry disease is due to inactivating mutations in the X-linked GLA gene resulting in deficiency of the enzyme Alpha Galactosidase-A., loss of function.

Submission:

Genomenon, Inc
Classification: Pathogenic for Fabry disease. Last evaluated: 2026-09-08. Review status: criteria provided, single submitter. Criteria: Genomenon Sequence Variant Interpretation Standards - Updated. Collection method: curation. Allele origin: germline. Affected: yes.
Comment: GLA c.539_547+9del is a deletion that affects the donor splice site of intron 3. It is predicted to affect mRNA splicing, leading to a deleterious effect on the GLA protein. This variant has been observed in at least one proband with clinical features consistent with Fabry disease (PMID:38002959). It is absent or not present at a significant frequency in gnomAD. In conclusion, we classify GLA c.539_547+9del as a pathogenic variant.

Literature cited by the submitters: PubMed 38002959.

NM_000169.3(GLA):c.539_547+9del

Genes: GLA (galactosidase alpha; minus strand), RPL36A-HNRNPH2 (RPL36A-HNRNPH2 readthrough; plus strand). Cytogenetic location: Xq22.1.
Variant type: Deletion.
Coding change: c.539_547+9del on transcript NM_000169.3 (MANE Select); coding-DNA position 539 through 9 bases into the intron after coding-DNA position 547, 18 bases deleted (TGGCAGATGGTAATGTTT).
Molecular consequence: splice donor variant. On other transcripts: inframe deletion (1), intron variant (2).
Genome position (GRCh38, 1-based): chrX:101,401,623-101,401,640, AAACATTACCATCTGCCA deleted on the plus strand (TGGCAGATGGTAATGTTT on the coding strand, the reverse complement: GLA is on the minus strand); deleting any 18 consecutive bases within chrX:101,401,623-101,401,642 gives the same sequence; the c. name uses the placement nearest the transcript's 3' end. VCF-style (leftmost placement, unchanged base first): chrX-101401622-GAAACATTACCATCTGCCA-G. GRCh37 (hg19) VCF-style: chrX-100656610-GAAACATTACCATCTGCCA-G.
Other names: c.662_679del, p.Leu221_Val226del (NM_001406749.1); c.300+6168_300+6185del (NM_001199973.2); c.177+9803_177+9820del (NM_001199974.2); c.662_670+9del (NM_001406747.1); c.539_547+9del (NM_001406748.1).
Identifiers: ClinVar variation 4087208 (VCV004087208.2).